The following is an entry in ClinVar:

NM_000138.5(FBN1):c.1426T>G (p.Cys476Gly)

Gene: FBN1 (fibrillin 1; minus strand). Cytogenetic location: 15q21.1.
Variant type: single nucleotide variant.
Coding change: c.1426T>G on transcript NM_000138.5 (MANE Select); coding-DNA position 1426, T replaced by G.
Protein change: p.Cys476Gly; replaces cysteine 476 with glycine.
Molecular consequence: missense variant.
Genome position (GRCh38, 1-based): chr15:48,515,429, A>C on the plus strand (T>G on the coding strand, the complement: FBN1 is on the minus strand). VCF-style: chr15-48515429-A-C. GRCh37 (hg19) VCF-style: chr15-48807626-A-C.
Other names: p.C476G:TGC>GGC; short protein forms C476G.
Identifiers: ClinVar variation 200179 (VCV000200179.19), dbSNP rs794728326, ClinGen allele CA012151.

ClinVar aggregate classification (germline): Pathogenic. Review status: criteria provided, multiple submitters, no conflicts (2 of 4 stars). 6 submissions from 6 submitters: Pathogenic (6). Last evaluated 2025-12-22.

Conditions:
Marfan Syndrome/Loeys-Dietz Syndrome/Familial Thoracic Aortic Aneurysms and Dissections. Identifiers: MedGen CN229799.
Marfan syndrome (MFS). Also called: MARFAN SYNDROME, TYPE I; FBN1-Related Marfan Syndrome; Marfan syndrome, classic; Marfan syndrome type 1; Marfan's syndrome. Identifiers: Orphanet 284963, Orphanet 558, MedGen C0024796, MONDO:0007947, OMIM 154700.
Familial thoracic aortic aneurysm and aortic dissection (TAAD). Also called: Thoracic aortic aneurysms and dissections. Identifiers: Orphanet 91387, MedGen C4707243, MONDO:0019625.

Submissions (6):

Labcorp Genetics (formerly Invitae), Labcorp
Classification: Pathogenic for Marfan syndrome; Familial thoracic aortic aneurysm and aortic dissection. Last evaluated: 2025-12-22. Review status: criteria provided, single submitter. Criteria: Invitae Variant Classification Sherloc (09022015). Collection method: clinical testing. Allele origin: germline.
Comment: This sequence change replaces cysteine, which is neutral and slightly polar, with glycine, which is neutral and non-polar, at codon 476 of the FBN1 protein (p.Cys476Gly). This variant is not present in population databases (gnomAD no frequency). This missense change has been observed in individuals with Marfan syndrome (PMID: 7951214, 10486319, 27112580). It has also been observed to segregate with disease in related individuals. ClinVar contains an entry for this variant (Variation ID: 200179). Invitae Evidence Modeling of protein sequence and biophysical properties (such as structural, functional, and spatial information, amino acid conservation, physicochemical variation, residue mobility, and thermodynamic stability) indicates that this missense variant is expected to disrupt FBN1 protein function with a positive predictive value of 95%. This variant affects a cysteine residue in the EGF-like, TGFBP or hybrid motif domains of FBN1. Cysteine residues are believed to be involved in intramolecular disulfide bridges and have been shown to be important for FBN1 protein structure (PMID: 16905551, 19349279). In addition, missense substitutions affecting cysteine residues within these domains are significantly overrepresented among patients with Marfan syndrome (PMID: 16571647, 17701892). For these reasons, this variant has been classified as Pathogenic.

Mayo Clinic Laboratories, Mayo Clinic
Classification: Pathogenic. Last evaluated: 2023-12-19. Review status: criteria provided, single submitter. Criteria: ACMG Guidelines, 2015. Collection method: clinical testing. Allele origin: germline. Observed: 1 variant allele.
Comment: PP1_strong, PP3, PM1, PM2, PS4

GeneDx
Classification: Pathogenic. Last evaluated: 2022-08-22. Review status: criteria provided, single submitter. Criteria: GeneDx Variant Classification Process June 2021. Collection method: clinical testing. Allele origin: germline. Affected: yes.
Comment: Affects a cysteine residue within a calcium-binding EGF-like domain of the FBN1 gene, which may affect disulfide bonding and is predicted to alter the structure and function of the protein; cysteine substitutions in the calcium-binding EGF-like domains represent the majority of pathogenic missense changes associated with FBN1-related disorders (Collod-Beroud et al., 2003); Not observed at significant frequency in large population cohorts (gnomAD); In silico analysis supports that this missense variant has a deleterious effect on protein structure/function; This variant is associated with the following publications: (PMID: 7951214, 10486319, 27112580, 28941062)

Laboratory for Molecular Medicine, Mass General Brigham Personalized Medicine
Classification: Pathogenic for Marfan syndrome. Last evaluated: 2019-04-17. Review status: criteria provided, single submitter. Criteria: ACMG Guidelines, 2015. Collection method: clinical testing. Allele origin: germline. Inheritance: Autosomal dominant inheritance.
Comment: The p.Cys476Gly variant in FBN1 has been identified in at least 4 individuals with Marfan syndrome, segregated in 33 affected relatives from one family, and was absent in 19 unaffected family members from that same family (Piersall 1994, Somers 2016, Vatti 2017). In addition, this variant was absent from large population studies. Two other variants at the same position (p.Cys476Arg and p.Cys476Ser) have also been identified in individuals with Marfan syndrome, suggesting that changes at this position are not tolerated. Studies provide some evidence that this variant impacts protein function (Schrijver 1999). Furthermore, this variant affects a highly conserved cysteine residue in the EGF-like domains, which is a common finding in individuals with Marfan syndrome (Schrijver 1999). In summary, this variant meets criteria to be classified as pathogenic for autosomal dominant Marfan syndrome. ACMG/AMP Criteria applied: PP1_Strong; PM1; PM2; PS4_Moderate; PP3, PS3_Supporting.

ARUP Laboratories, Molecular Genetics and Genomics, ARUP Laboratories
Classification: Pathogenic. Last evaluated: 2016-11-15. Review status: criteria provided, single submitter. Criteria: ARUP Molecular Germline Variant Investigation Process. Collection method: clinical testing. Allele origin: germline.

Women's Health and Genetics/Laboratory Corporation of America, LabCorp
Classification: Pathogenic for Marfan Syndrome/Loeys-Dietz Syndrome/Familial Thoracic Aortic Aneurysms and Dissections. Last evaluated: 2016-10-12. Review status: criteria provided, single submitter. Criteria: LabCorp Variant Classification Summary - May 2015. Collection method: clinical testing. Allele origin: germline.
Comment: Variant summary: The FBN1 c.1426T>G (p.Cys476Gly) variant located in an EGF-like domain (via InterPro) alters a cysteine, which plays a key role in disulfide binding, important for proper fibrillin function. 4/4 in silico tools (SNPs&GO not captured here due to low reliability index) predict a damaging outcome, which is supported by a functional study, Schrijver_1999. The variant of interest was not observed in controls (ExAC, 1000 Gs, ESP, or publication controls) and has been reported in multiple affected individuals including a large family that segregates with disease, Piersall_1994. Multiple reputable clinical diagnostic laboratories/databases cite the variant as "pathogenic." Therefore, the variant of interest has been classified as Pathogenic.

Literature cited by the submitters: PubMed 7951214 (cited by 4 submitters); PubMed 10486319 (cited by 4 submitters); PubMed 27112580 (cited by 3 submitters); PubMed 16905551 (cited by Labcorp Genetics (formerly Invitae), Labcorp); PubMed 19349279 (cited by Labcorp Genetics (formerly Invitae), Labcorp); PubMed 16571647 (cited by Labcorp Genetics (formerly Invitae), Labcorp); PubMed 17701892 (cited by Labcorp Genetics (formerly Invitae), Labcorp); PubMed 28941062 (cited by Mayo Clinic Laboratories, Mayo Clinic and Laboratory for Molecular Medicine, Mass General Brigham Personalized Medicine).